The following is an entry in ClinVar:

NM_001853.4(COL9A3):c.358C>T (p.Pro120Ser)

Gene: COL9A3 (collagen type IX alpha 3 chain; plus strand). Cytogenetic location: 20q13.33.
Variant type: single nucleotide variant.
Coding change: c.358C>T on transcript NM_001853.4 (MANE Select); coding-DNA position 358, C replaced by T.
Protein change: p.Pro120Ser; replaces proline 120 with serine.
Molecular consequence: missense variant.
Genome position (GRCh38, 1-based): chr20:62,821,519, C>T. VCF-style: chr20-62821519-C-T. GRCh37 (hg19) VCF-style: chr20-61452871-C-T.
Other names: short protein forms P120S.
Identifiers: ClinVar variation 1713968 (VCV001713968.5), dbSNP rs1402135273, ClinGen allele CA409588275.
Genomic context (GRCh38, chr20:62,821,519, plus strand): 5'-AGCCCTTCTTGTGCCTGGCAGGCTCTGACCCCATGTTTGGCTTTGCAGGGCAAAGGCCTC[C>T]CTGGACCCCCCGTGAGTACTGACAACCCTTGGGGCCCTGAGCAAGCACGCAAGTCCCGAG-3'
Protein context (NP_001844.3, residues 110-130): GPPGLGGKGL[Pro120Ser]GPPGEAGVSG

ClinVar aggregate classification (germline): Uncertain significance (1 of 4 stars; one submission).

Allele frequency attached by ClinVar (database versions not stated): gnomAD exomes below 0.00001.
gnomAD v4.1: 2 of 1,612,864 alleles (0.00012%); highest among the groups gnomAD compares: South Asian, 0.0011%; no homozygotes.

Submission:

Labcorp Genetics (formerly Invitae), Labcorp
Classification: Uncertain significance. Last evaluated: 2022-11-01. Review status: criteria provided, single submitter. Criteria: Invitae Variant Classification Sherloc (09022015). Collection method: clinical testing. Allele origin: germline.
Comment: This sequence change replaces proline, which is neutral and non-polar, with serine, which is neutral and polar, at codon 120 of the COL9A3 protein (p.Pro120Ser). In summary, the available evidence is currently insufficient to determine the role of this variant in disease. Therefore, it has been classified as a Variant of Uncertain Significance. Advanced modeling of protein sequence and biophysical properties (such as structural, functional, and spatial information, amino acid conservation, physicochemical variation, residue mobility, and thermodynamic stability) performed at Invitae indicates that this missense variant is not expected to disrupt COL9A3 protein function. This variant has not been reported in the literature in individuals affected with COL9A3-related conditions. This variant is present in population databases (no rsID available, gnomAD 0.003%).